The following is an entry in ClinVar:

ClinVar aggregate classification (germline): Uncertain significance (1 of 4 stars; one submission).

Allele frequency attached by ClinVar (database versions not stated): 1000 Genomes Project 30x 0.00031.
gnomAD v4.1: 16 of 1,551,714 alleles (0.001%); highest among the groups gnomAD compares: East Asian, 0.037%; no homozygotes.

Submission:

Labcorp Genetics (formerly Invitae), Labcorp
Classification: Uncertain significance. Last evaluated: 2021-11-24. Review status: criteria provided, single submitter. Criteria: Invitae Variant Classification Sherloc (09022015). Collection method: clinical testing. Allele origin: germline.
Comment: This sequence change replaces histidine with glutamine at codon 479 of the UNC80 protein (p.His479Gln). The histidine residue is weakly conserved and there is a small physicochemical difference between histidine and glutamine. This variant is present in population databases (rs373291979, gnomAD 0.08%). This variant has not been reported in the literature in individuals affected with UNC80-related conditions. Algorithms developed to predict the effect of missense changes on protein structure and function are either unavailable or do not agree on the potential impact of this missense change (SIFT: "Not Available"; PolyPhen-2: "Possibly Damaging"; Align-GVGD: "Not Available"). Algorithms developed to predict the effect of sequence changes on RNA splicing suggest that this variant may create or strengthen a splice site. In summary, the available evidence is currently insufficient to determine the role of this variant in disease. Therefore, it has been classified as a Variant of Uncertain Significance.

NM_001371986.1(UNC80):c.1437C>G (p.His479Gln)

Gene: UNC80 (unc-80 homolog, NALCN channel complex subunit; plus strand). Cytogenetic location: 2q34.
Variant type: single nucleotide variant.
Coding change: c.1437C>G on transcript NM_001371986.1 (MANE Select); coding-DNA position 1437, C replaced by G.
Protein change: p.His479Gln; replaces histidine 479 with glutamine.
Molecular consequence: missense variant.
Genome position (GRCh38, 1-based): chr2:209,817,010, C>G. VCF-style: chr2-209817010-C-G. GRCh37 (hg19) VCF-style: chr2-210681734-C-G.
Other names: c.1437C>G, p.His479Gln (NM_032504.2, NM_182587.4); short protein forms H479Q.
Identifiers: ClinVar variation 1447717 (VCV001447717.3), dbSNP rs373291979, ClinGen allele CA2082933.
Genomic context (GRCh38, chr2:209,817,010, plus strand): 5'-TCCATTCCACCACACAGGCAAGAGGAGGCCACGGAGAATGGGAGTGCCCTTCCTGCTTCA[C>G]GAGGACCACCTGGATGTGTCCCCCACGCGCAGCACATTCTCCTTTGGAAGTTTCTCTGGG-3'
Protein context (NP_001358915.1, residues 469-489): PRRMGVPFLL[His479Gln]EDHLDVSPTR